The following is an entry in ClinVar:

NM_001429.4(EP300):c.6090A>G (p.Gln2030=)

Gene: EP300 (EP300 lysine acetyltransferase; plus strand). Cytogenetic location: 22q13.2.
Variant type: single nucleotide variant.
Coding change: c.6090A>G on transcript NM_001429.4 (MANE Select); coding-DNA position 6090, A replaced by G.
Protein change: p.Gln2030=; no amino-acid change (glutamine 2030 retained).
Molecular consequence: synonymous variant.
Genome position (GRCh38, 1-based): chr22:41,177,801, A>G. VCF-style: chr22-41177801-A-G. GRCh37 (hg19) VCF-style: chr22-41573805-A-G.
Other names: c.6090A>G (NM_001429.3); c.6012A>G, p.Gln2004= (NM_001362843.2).
Identifiers: ClinVar variation 2653211 (VCV002653211.28), dbSNP rs749621134, ClinGen allele CA10253777.

ClinVar aggregate classification (germline): Benign/Likely benign. Review status: criteria provided, multiple submitters, no conflicts (2 of 4 stars). 3 submissions from 3 submitters: Benign (1); Likely benign (2). Last evaluated 2026-02-03.

Conditions:
EP300-related disorder. Also called: EP300-related condition; EP300-related disorders.
Rubinstein-Taybi syndrome due to EP300 haploinsufficiency. Also called: EP300-Related Rubinstein-Taybi Syndrome; RUBINSTEIN-TAYBI SYNDROME 2. Identifiers: Orphanet 353284, Orphanet 783, MedGen C3150941, MONDO:0013364, OMIM 613684.

Allele frequency attached by ClinVar (database versions not stated): TOPMed below 0.00001; gnomAD exomes 0.00001; ExAC 0.00002.

Submissions (3):

PreventionGenetics, part of Exact Sciences
Classification: Likely benign for EP300-related condition. Last evaluated: 2026-02-03. Review status: criteria provided, single submitter. Criteria: ACMG Guidelines, 2015. Collection method: clinical testing. Allele origin: germline.
Comment: This variant is classified as likely benign based on ACMG/AMP sequence variant interpretation guidelines (Richards et al. 2015 PMID: 25741868, with internal and published modifications).

CeGaT Center for Human Genetics Tuebingen
Classification: Likely benign. Last evaluated: 2024-05-01. Review status: criteria provided, single submitter. Criteria: CeGaT Center For Human Genetics Tuebingen Variant Classification Criteria Version 2. Collection method: clinical testing. Allele origin: germline. Affected: yes. Observed: 2 variant alleles.
Comment: EP300: BP4, BP7

Labcorp Genetics (formerly Invitae), Labcorp
Classification: Benign for Rubinstein-Taybi syndrome due to EP300 haploinsufficiency. Last evaluated: 2023-08-07. Review status: criteria provided, single submitter. Criteria: Invitae Variant Classification Sherloc (09022015). Collection method: clinical testing. Allele origin: germline.